The following is an entry in ClinVar:

ClinVar aggregate classification (germline): Uncertain significance (1 of 4 stars; one submission).

Conditions:
Cortical dysplasia-focal epilepsy syndrome (PTHSL1). Also called: Pitt-Hopkins-like syndrome 1. Identifiers: Orphanet 163681, Orphanet 221150, MedGen C2750246, MONDO:0012400, OMIM 610042.

Allele frequency attached by ClinVar (database versions not stated): gnomAD exomes 0.00001 and 0.00002; ExAC 0.00002.
gnomAD v4.1: 13 of 1,613,910 alleles (0.00081%); highest among the groups gnomAD compares: Admixed American, 0.0067%; no homozygotes.

Submission:

Labcorp Genetics (formerly Invitae), Labcorp
Classification: Uncertain significance for Cortical dysplasia-focal epilepsy syndrome. Last evaluated: 2023-12-11. Review status: criteria provided, single submitter. Criteria: Invitae Variant Classification Sherloc (09022015). Collection method: clinical testing. Allele origin: germline.
Comment: This sequence change replaces proline, which is neutral and non-polar, with leucine, which is neutral and non-polar, at codon 1230 of the CNTNAP2 protein (p.Pro1230Leu). This variant is present in population databases (rs759652826, gnomAD 0.01%). This variant has not been reported in the literature in individuals affected with CNTNAP2-related conditions. ClinVar contains an entry for this variant (Variation ID: 468431). An algorithm developed to predict the effect of missense changes on protein structure and function (PolyPhen-2) suggests that this variant¬†is likely to be tolerated. In summary, the available evidence is currently insufficient to determine the role of this variant in disease. Therefore, it has been classified as a Variant of Uncertain Significance.

NM_014141.6(CNTNAP2):c.3689C>T (p.Pro1230Leu)

Gene: CNTNAP2 (contactin associated protein 2; plus strand). Cytogenetic location: 7q36.1.
Variant type: single nucleotide variant.
Coding change: c.3689C>T on transcript NM_014141.6 (MANE Select); coding-DNA position 3689, C replaced by T.
Protein change: p.Pro1230Leu; replaces proline 1230 with leucine.
Molecular consequence: missense variant.
Genome position (GRCh38, 1-based): chr7:148,383,862, C>T. VCF-style: chr7-148383862-C-T. GRCh37 (hg19) VCF-style: chr7-148080954-C-T.
Other names: short protein forms P1230L.
Identifiers: ClinVar variation 468431 (VCV000468431.7), dbSNP rs759652826, ClinGen allele CA4546730.
Genomic context (GRCh38, chr7:148,383,862, plus strand): 5'-TGGAGTCCAACTGCGGGGCCTCGCCGCTGACCCTCTCCCCCATGTCGTCCGCCACCGACC[C>T]CTGGCACCTGGATCACCTGGATTCAGGTAAAGTCTTCAGCAACCTCAGGCAGGTTGCTTC-3'
Protein context (NP_054860.1, residues 1220-1240): TLSPMSSATD[Pro1230Leu]WHLDHLDSAS